The following is an entry in ClinVar:

NM_000138.5(FBN1):c.1479A>C (p.Glu493Asp)

Gene: FBN1 (fibrillin 1; minus strand). Cytogenetic location: 15q21.1.
Variant type: single nucleotide variant.
Coding change: c.1479A>C on transcript NM_000138.5 (MANE Select); coding-DNA position 1479, A replaced by C.
Protein change: p.Glu493Asp; replaces glutamic acid 493 with aspartic acid.
Molecular consequence: missense variant.
Genome position (GRCh38, 1-based): chr15:48,513,658, T>G on the plus strand (A>C on the coding strand, the complement: FBN1 is on the minus strand). VCF-style: chr15-48513658-T-G. GRCh37 (hg19) VCF-style: chr15-48805855-T-G.
Other names: c.1479A>C, p.Glu493Asp (NM_001406716.1); short protein forms E493D.
Identifiers: ClinVar variation 4789671 (VCV004789671.1).
Genomic context (GRCh38, chr15:48,513,658, plus strand): 5'-ACAGGTGTACGAACCCTGGTTGTTAATACACTCACCACCAGCACAGGGGTTTTTCTCACA[T>G]TCATCAACATCTGCAAAGCACAATGTATTTTAGTGCAAAATTACATAGCAATACCTCATA-3'
Protein context (NP_000129.3, residues 483-503): DLRGECIDVD[Glu493Asp]CEKNPCAGGE

ClinVar aggregate classification (germline): Uncertain significance (1 of 4 stars; one submission).

Conditions:
Marfan syndrome (MFS). Also called: FBN1-Related Marfan Syndrome; MARFAN SYNDROME, TYPE I; Marfan syndrome type 1; Marfan's syndrome; Marfan syndrome, classic. Identifiers: Orphanet 284963, Orphanet 558, MedGen C0024796, MONDO:0007947, OMIM 154700.
Familial thoracic aortic aneurysm and aortic dissection (TAAD). Also called: Thoracic aortic aneurysms and dissections. Identifiers: Orphanet 91387, MedGen C4707243, MONDO:0019625.

Submission:

Labcorp Genetics (formerly Invitae), Labcorp
Classification: Uncertain significance for Marfan syndrome; Familial thoracic aortic aneurysm and aortic dissection. Last evaluated: 2025-07-28. Review status: criteria provided, single submitter. Criteria: Invitae Variant Classification Sherloc (09022015). Collection method: clinical testing. Allele origin: germline.
Comment: This sequence change replaces glutamic acid, which is acidic and polar, with aspartic acid, which is acidic and polar, at codon 493 of the FBN1 protein (p.Glu493Asp). This variant is not present in population databases (gnomAD no frequency). This variant has not been reported in the literature in individuals affected with FBN1-related conditions. Invitae Evidence Modeling of protein sequence and biophysical properties (such as structural, functional, and spatial information, amino acid conservation, physicochemical variation, residue mobility, and thermodynamic stability) indicates that this missense variant is expected to disrupt FBN1 protein function with a positive predictive value of 95%. In summary, the available evidence is currently insufficient to determine the role of this variant in disease. Therefore, it has been classified as a Variant of Uncertain Significance.